The following is an entry in ClinVar:

NM_015378.4(VPS13D):c.2225C>T (p.Thr742Met)

Gene: VPS13D (vacuolar protein sorting 13 homolog D; plus strand). Cytogenetic location: 1p36.22.
Variant type: single nucleotide variant.
Coding change: c.2225C>T on transcript NM_015378.4 (MANE Select); coding-DNA position 2225, C replaced by T.
Protein change: p.Thr742Met; replaces threonine 742 with methionine.
Molecular consequence: missense variant.
Genome position (GRCh38, 1-based): chr1:12,273,124, C>T. VCF-style: chr1-12273124-C-T. GRCh37 (hg19) VCF-style: chr1-12333181-C-T.
Other names: c.2225C>T, p.Thr742Met (NM_018156.4); c.2225C>T (NM_015378.2); short protein forms T742M.
Identifiers: ClinVar variation 1805013 (VCV001805013.6), dbSNP rs370784596, ClinGen allele CA601768.

ClinVar aggregate classification (germline): Uncertain significance. Review status: criteria provided, multiple submitters, no conflicts (2 of 4 stars). 3 submissions from 3 submitters: Uncertain significance (3). Last evaluated 2025-11-02.

Conditions:
Inborn genetic diseases. Identifiers: MedGen C0950123, MeSH D030342.
Autosomal recessive cerebellar ataxia-saccadic intrusion syndrome. Also called: SPINOCEREBELLAR ATAXIA 24; VPS13D Movement Disorder. Identifiers: Orphanet 95434, MedGen C1846492, MONDO:0011811, OMIM 607317.

Allele frequency attached by ClinVar (database versions not stated): ESP Exome Variant Server 0.00008; ExAC 0.00009; gnomAD exomes 0.00011; TOPMed 0.00015; 1000 Genomes Project 30x 0.00016; gnomAD 0.00019; 1000 Genomes Project 0.00020.
gnomAD v4.1: 189 of 1,613,902 alleles (0.012%); highest among the groups gnomAD compares: South Asian, 0.097%; no homozygotes.

Submissions (3):

Labcorp Genetics (formerly Invitae), Labcorp
Classification: Uncertain significance. Last evaluated: 2025-11-02. Review status: criteria provided, single submitter. Criteria: Invitae Variant Classification Sherloc (09022015). Collection method: clinical testing. Allele origin: germline.
Comment: This sequence change replaces threonine, which is neutral and polar, with methionine, which is neutral and non-polar, at codon 742 of the VPS13D protein (p.Thr742Met). This variant is present in population databases (rs370784596, gnomAD 0.07%). This variant has not been reported in the literature in individuals affected with VPS13D-related conditions. ClinVar contains an entry for this variant (Variation ID: 1805013). Invitae Evidence Modeling of protein sequence and biophysical properties (such as structural, functional, and spatial information, amino acid conservation, physicochemical variation, residue mobility, and thermodynamic stability) indicates that this missense variant is expected to disrupt VPS13D protein function with a positive predictive value of 80%. In summary, the available evidence is currently insufficient to determine the role of this variant in disease. Therefore, it has been classified as a Variant of Uncertain Significance.

Ambry Genetics
Classification: Uncertain significance for Inborn genetic diseases. Last evaluated: 2025-05-20. Review status: criteria provided, single submitter. Criteria: Ambry Variant Classification Scheme 2023. Collection method: clinical testing. Allele origin: germline.

Victorian Clinical Genetics Services, Murdoch Childrens Research Institute
Classification: Uncertain significance for Autosomal recessive cerebellar ataxia-saccadic intrusion syndrome. Last evaluated: 2021-05-06. Review status: criteria provided, single submitter. Criteria: ACMG Guidelines, 2015. Collection method: clinical testing. Allele origin: germline. Inheritance: Autosomal recessive inheritance.
Comment: Based on the classification scheme VCGS_Germline_v1.3.4, this variant is classified as VUS-3B. Following criteria are met: 0102 - Loss of function is a known mechanism of disease in this gene and is associated with spinocerebellar ataxia, 4 (MIM#607317). (I) 0106 - This gene is associated with autosomal recessive disease. (I) 0200 - Variant is predicted to result in a missense amino acid change from threonine to methionine. (I) 0251 - This variant is heterozygous. (I) 0304 - Variant is present in gnomAD (v2) <0.01 for a recessive condition (33 heterozygotes, 0 homozygotes). (SP) 0502 - Missense variant consistently predicted to be damaging by multiple in silico tools but the same amino acid change has been observed in a placental mammal. (I) 0604 - Variant is not located in an established domain, motif, hotspot or informative constraint region. (I) 0705 - No comparable missense variants have previous evidence for pathogenicity. (I) 0807 - This variant has no previous evidence of pathogenicity. (I) 0905 - No published segregation evidence has been identified for this variant. (I) 1007 - No published functional evidence has been identified for this variant. (I) Legend: (SP) - Supporting pathogenic, (I) - Information, (SB) - Supporting benign